The following is an entry in ClinVar:

NM_001346754.2(PIGW):c.1395G>A (p.Met465Ile)

Genes: MYO19 (myosin XIX; minus strand), PIGW (phosphatidylinositol glycan anchor biosynthesis class W; plus strand). Cytogenetic location: 17q12.
Variant type: single nucleotide variant.
Coding change: c.1395G>A on transcript NM_001346754.2 (MANE Select); coding-DNA position 1395, G replaced by A.
Protein change: p.Met465Ile; replaces methionine 465 with isoleucine.
Molecular consequence: missense variant.
Genome position (GRCh38, 1-based): chr17:36,538,496, G>A. VCF-style: chr17-36538496-G-A. GRCh37 (hg19) VCF-style: chr17-34894345-G-A.
Other names: c.1395G>A, p.Met465Ile (NM_001346755.2, NM_178517.5); short protein forms M465I.
Identifiers: ClinVar variation 2297023 (VCV002297023.3), dbSNP rs2074174378, ClinGen allele CA399164887.

ClinVar aggregate classification (germline): Uncertain significance. Review status: criteria provided, multiple submitters, no conflicts (2 of 4 stars). 2 submissions from 2 submitters: Uncertain significance (2). Last evaluated 2025-02-06.

Conditions:
Inborn genetic diseases. Identifiers: MedGen C0950123, MeSH D030342.
Hyperphosphatasia with intellectual disability syndrome 5 (GPIBD11). Also called: GLYCOSYLPHOSPHATIDYLINOSITOL BIOSYNTHESIS DEFECT 11. Identifiers: Orphanet 247262, MedGen C4014958, MONDO:0014457, OMIM 616025.

Allele frequency attached by ClinVar (database versions not stated): TOPMed below 0.00001.

Submissions (2):

Labcorp Genetics (formerly Invitae), Labcorp
Classification: Uncertain significance for Hyperphosphatasia with intellectual disability syndrome 5. Last evaluated: 2025-02-06. Review status: criteria provided, single submitter. Criteria: Invitae Variant Classification Sherloc (09022015). Collection method: clinical testing. Allele origin: germline.
Comment: This sequence change replaces methionine, which is neutral and non-polar, with isoleucine, which is neutral and non-polar, at codon 465 of the PIGW protein (p.Met465Ile). This variant is not present in population databases (gnomAD no frequency). This variant has not been reported in the literature in individuals affected with PIGW-related conditions. ClinVar contains an entry for this variant (Variation ID: 2297023). Invitae Evidence Modeling of protein sequence and biophysical properties (such as structural, functional, and spatial information, amino acid conservation, physicochemical variation, residue mobility, and thermodynamic stability) indicates that this missense variant is not expected to disrupt PIGW protein function with a negative predictive value of 80%. In summary, the available evidence is currently insufficient to determine the role of this variant in disease. Therefore, it has been classified as a Variant of Uncertain Significance.

Ambry Genetics
Classification: Uncertain significance for Inborn genetic diseases. Last evaluated: 2022-06-24. Review status: criteria provided, single submitter. Criteria: Ambry Variant Classification Scheme 2023. Collection method: clinical testing. Allele origin: germline.